The following is an entry in ClinVar:

NM_001365536.1(SCN9A):c.1549G>C (p.Gly517Arg)

Genes: SCN9A (sodium voltage-gated channel alpha subunit 9; minus strand), SCN1A-AS1 (SCN1A and SCN9A antisense RNA 1; plus strand). Cytogenetic location: 2q24.3.
Variant type: single nucleotide variant.
Coding change: c.1549G>C on transcript NM_001365536.1 (MANE Select); coding-DNA position 1549, G replaced by C.
Protein change: p.Gly517Arg; replaces glycine 517 with arginine.
Molecular consequence: missense variant.
Genome position (GRCh38, 1-based): chr2:166,286,389, C>G on the plus strand (G>C on the coding strand, the complement: SCN9A is on the minus strand). VCF-style: chr2-166286389-C-G. GRCh37 (hg19) VCF-style: chr2-167142899-C-G.
Other names: c.1549G>C, p.Gly517Arg (NM_002977.4); short protein forms G517R.
Identifiers: ClinVar variation 1896667 (VCV001896667.6), dbSNP rs200333606, ClinGen allele CA349084387.

ClinVar aggregate classification (germline): Uncertain significance. Review status: criteria provided, multiple submitters, no conflicts (2 of 4 stars). 2 submissions from 2 submitters: Uncertain significance (2). Last evaluated 2025-11-20.

Conditions:
Generalized epilepsy with febrile seizures plus, type 7 (GEFSP7). Also called: GEFS+, TYPE 7. Identifiers: Orphanet 36387, MedGen C2751778, MONDO:0013470, OMIM 613863.
Neuropathy, hereditary sensory and autonomic, type 2A (HSAN2A). Also called: WNK1-Related HSAN2 (HSAN2A); ACROOSTEOLYSIS, GIACCAI TYPE; ACROOSTEOLYSIS, NEUROGENIC; HSAN IIA; MORVAN DISEASE; NEUROPATHY, CONGENITAL SENSORY. Identifiers: Orphanet 970, MedGen C2752089, MONDO:0024309, OMIM 201300.
Inborn genetic diseases. Identifiers: MedGen C0950123, MeSH D030342.

Submissions (2):

Ambry Genetics
Classification: Uncertain significance for Inborn genetic diseases. Last evaluated: 2025-11-20. Review status: criteria provided, single submitter. Criteria: Ambry Variant Classification Scheme 2023. Collection method: clinical testing. Allele origin: germline.

Labcorp Genetics (formerly Invitae), Labcorp
Classification: Uncertain significance for Neuropathy, hereditary sensory and autonomic, type 2A; Generalized epilepsy with febrile seizures plus, type 7. Last evaluated: 2022-03-27. Review status: criteria provided, single submitter. Criteria: Invitae Variant Classification Sherloc (09022015). Collection method: clinical testing. Allele origin: germline.
Comment: This variant is not present in population databases (gnomAD no frequency). This sequence change replaces glycine, which is neutral and non-polar, with arginine, which is basic and polar, at codon 517 of the SCN9A protein (p.Gly517Arg). In summary, the available evidence is currently insufficient to determine the role of this variant in disease. Therefore, it has been classified as a Variant of Uncertain Significance. Algorithms developed to predict the effect of missense changes on protein structure and function are either unavailable or do not agree on the potential impact of this missense change (SIFT: "Deleterious"; PolyPhen-2: "Benign"; Align-GVGD: "Class C15"). This variant has not been reported in the literature in individuals affected with SCN9A-related conditions.